The following is an entry in ClinVar:

NM_002203.4(ITGA2):c.1176T>C (p.Asp392=)

Gene: ITGA2 (integrin subunit alpha 2; plus strand). Cytogenetic location: 5q11.2.
Variant type: single nucleotide variant.
Coding change: c.1176T>C on transcript NM_002203.4 (MANE Select); coding-DNA position 1176, T replaced by C.
Protein change: p.Asp392=; no amino-acid change (aspartic acid 392 retained).
Molecular consequence: synonymous variant. On other transcripts: non-coding transcript variant (5).
Genome position (GRCh38, 1-based): chr5:53,059,876, T>C. VCF-style: chr5-53059876-T-C. GRCh37 (hg19) VCF-style: chr5-52355706-T-C.
Identifiers: ClinVar variation 904558 (VCV000904558.4), dbSNP rs144998443, ClinGen allele CA3262832.

ClinVar aggregate classification (germline): Likely benign (1 of 4 stars; one submission).

Conditions:
Platelet-type bleeding disorder 9 (BDPLT9). Also called: GLYCOPROTEIN Ia DEFICIENCY; GP Ia DEFICIENCY; COLLAGEN PLATELET RECEPTOR DEFICIENCY. Identifiers: Orphanet 73271, Orphanet 98886, MedGen C3280114, MONDO:0013622, OMIM 614200.

Allele frequency attached by ClinVar (database versions not stated): TOPMed below 0.00001; gnomAD 0.00001; gnomAD exomes 0.00001; ExAC 0.00003; ESP Exome Variant Server 0.00008.
gnomAD v4.1: 39 of 1,611,832 alleles (0.0024%); highest among the groups gnomAD compares: Non-Finnish European, 0.0033%; no homozygotes.

Submission:

Illumina Laboratory Services, Illumina
Classification: Likely benign for Platelet-type bleeding disorder 9. Last evaluated: 2018-01-12. Review status: criteria provided, single submitter. Criteria: ICSL Variant Classification Criteria 13 December 2019. Collection method: clinical testing. Allele origin: germline.
Comment: This variant was observed in the ICSL laboratory as part of a predisposition screen in an ostensibly healthy population. It had not been previously curated by ICSL or reported in the Human Gene Mutation Database (HGMD: prior to June 1st, 2018), and was therefore a candidate for classification through an automated scoring system. Utilizing variant allele frequency, disease prevalence and penetrance estimates, and inheritance mode, an automated score was calculated to assess if this variant is too frequent to cause the disease. Based on the score and internal cut-off values, a variant classified as likely benign is not then subjected to further curation. The score for this variant resulted in a classification of likely benign for this disease.